The following is an entry in ClinVar:

NM_001854.4(COL11A1):c.1350+1G>A

Gene: COL11A1 (collagen type XI alpha 1 chain; minus strand). Cytogenetic location: 1p21.1.
Variant type: single nucleotide variant.
Coding change: c.1350+1G>A on transcript NM_001854.4 (MANE Select); the canonical splice donor site of the intron after coding-DNA position 1350, G replaced by A.
Molecular consequence: splice donor variant.
Genome position (GRCh38, 1-based): chr1:103,018,817, C>T on the plus strand (G>A on the coding strand, the complement: COL11A1 is on the minus strand). VCF-style: chr1-103018817-C-T. GRCh37 (hg19) VCF-style: chr1-103484373-C-T.
Other names: c.1233+1G>A (NM_001190709.2); c.1386+1G>A (NM_080629.3); c.1002+1G>A (NM_080630.4).
Identifiers: ClinVar variation 1683983 (VCV001683983.3), dbSNP rs2101919778, ClinGen allele CA341180311.

ClinVar aggregate classification (germline): Likely pathogenic (1 of 4 stars; one submission).

Submission:

GeneDx
Classification: Likely pathogenic. Last evaluated: 2024-10-07. Review status: criteria provided, single submitter. Criteria: GeneDx Variant Classification Process June 2021. Collection method: clinical testing. Allele origin: germline. Affected: yes.
Comment: Damages or destroys the splice donor site in intron 10, and is expected to cause abnormal gene splicing; if the splice outcome is exon skip, the loss of the encoded residues in the triple helical region is expected to disrupt normal protein folding and function (HGMD; PMID: 25240749); Not observed at significant frequency in large population cohorts (gnomAD); Has not been previously published as pathogenic or benign to our knowledge; This variant is associated with the following publications: (PMID: 25240749)